The following is an entry in ClinVar:

ClinVar aggregate classification (germline): Benign. Review status: criteria provided, single submitter (1 of 4 stars). 2 submissions from 2 submitters: Benign (1). 1 of the submissions does not count toward it. Last evaluated 2025-03-27.

Conditions:
ADCY3-related disorder. Also called: ADCY3-related condition.

gnomAD v4.1: 508 of 1,614,110 alleles (0.031%); highest among the groups gnomAD compares: South Asian, 0.51%; 3 homozygotes.

Submissions (2):

Labcorp Genetics (formerly Invitae), Labcorp
Classification: Benign. Last evaluated: 2025-03-27. Review status: criteria provided, single submitter. Criteria: Invitae Variant Classification Sherloc (09022015). Collection method: clinical testing. Allele origin: germline.

PreventionGenetics, part of Exact Sciences
Classification: Likely benign for ADCY3-related condition. Last evaluated: 2024-09-02. Review status: no assertion criteria provided. Collection method: clinical testing. Allele origin: germline. Not counted in ClinVar's aggregate classification.
Comment: This variant is classified as likely benign based on ACMG/AMP sequence variant interpretation guidelines (Richards et al. 2015 PMID: 25741868, with internal and published modifications).

NM_004036.5(ADCY3):c.3060G>A (p.Ala1020=)

Genes: ADCY3 (adenylate cyclase 3; minus strand), CENPO (centromere protein O; plus strand). Cytogenetic location: 2p23.3.
Variant type: single nucleotide variant.
Coding change: c.3060G>A on transcript NM_004036.5 (MANE Select); coding-DNA position 3060, G replaced by A.
Protein change: p.Ala1020=; no amino-acid change (alanine 1020 retained).
Molecular consequence: synonymous variant. On other transcripts: 3 prime UTR variant (3), non-coding transcript variant (3).
Genome position (GRCh38, 1-based): chr2:24,821,584, C>T on the plus strand (G>A on the coding strand, the complement: ADCY3 is on the minus strand). VCF-style: chr2-24821584-C-T. GRCh37 (hg19) VCF-style: chr2-25044453-C-T.
Other names: c.3063G>A, p.Ala1021= (NM_001320613.2); c.3126G>A, p.Ala1042= (NM_001377128.1); c.2922G>A, p.Ala974= (NM_001377129.1); c.2508G>A, p.Ala836= (NM_001377130.1); c.2337G>A, p.Ala779= (NM_001377131.1); c.3060G>A, p.Ala1020= (NM_001377132.1); c.*2266C>T (NM_001199803.3, NM_001322101.2, NM_024322.4).
Identifiers: ClinVar variation 3350494 (VCV003350494.3).